The following is an entry in ClinVar:

ClinVar aggregate classification (germline): Uncertain significance. Review status: criteria provided, multiple submitters, no conflicts (2 of 4 stars). 2 submissions from 2 submitters: Uncertain significance (2). Last evaluated 2025-08-04.

Allele frequency attached by ClinVar (database versions not stated): ExAC 0.00003; gnomAD exomes 0.00005; gnomAD 0.00006; TOPMed 0.00006.
gnomAD v4.1: 81 of 1,613,970 alleles (0.005%); highest among the groups gnomAD compares: Middle Eastern, 0.016%; no homozygotes.

Submissions (2):

Ambry Genetics
Classification: Uncertain significance. Last evaluated: 2025-08-04. Review status: criteria provided, single submitter. Criteria: Ambry Variant Classification Scheme 2023. Collection method: clinical testing. Allele origin: germline.

Labcorp Genetics (formerly Invitae), Labcorp
Classification: Uncertain significance. Last evaluated: 2023-06-30. Review status: criteria provided, single submitter. Criteria: Invitae Variant Classification Sherloc (09022015). Collection method: clinical testing. Allele origin: germline.
Comment: In summary, the available evidence is currently insufficient to determine the role of this variant in disease. Therefore, it has been classified as a Variant of Uncertain Significance. Advanced modeling of protein sequence and biophysical properties (such as structural, functional, and spatial information, amino acid conservation, physicochemical variation, residue mobility, and thermodynamic stability) performed at Invitae indicates that this missense variant is not expected to disrupt AXL protein function. This variant has not been reported in the literature in individuals affected with AXL-related conditions. This variant is present in population databases (rs763066660, gnomAD 0.01%). This sequence change replaces glutamic acid, which is acidic and polar, with lysine, which is basic and polar, at codon 818 of the AXL protein (p.Glu818Lys).

NM_021913.5(AXL):c.2452G>A (p.Glu818Lys)

Gene: AXL (AXL receptor tyrosine kinase; plus strand). Cytogenetic location: 19q13.2.
Variant type: single nucleotide variant.
Coding change: c.2452G>A on transcript NM_021913.5 (MANE Select); coding-DNA position 2452, G replaced by A.
Protein change: p.Glu818Lys; replaces glutamic acid 818 with lysine.
Molecular consequence: missense variant.
Genome position (GRCh38, 1-based): chr19:41,259,671, G>A. VCF-style: chr19-41259671-G-A. GRCh37 (hg19) VCF-style: chr19-41765576-G-A.
Other names: c.2452G>A (NM_021913.3); c.1648G>A, p.Glu550Lys (NM_001278599.2); c.2425G>A, p.Glu809Lys (NM_001699.6); short protein forms E550K, E809K, E818K.
Identifiers: ClinVar variation 2979368 (VCV002979368.4), dbSNP rs763066660, ClinGen allele CA9458712.